The following is an entry in ClinVar:

NM_002457.5(MUC2):c.4617C>A (p.Pro1539=)

Gene: MUC2 (mucin 2, oligomeric mucus/gel-forming; plus strand). Cytogenetic location: 11p15.5.
Variant type: single nucleotide variant.
Coding change: c.4617C>A on transcript NM_002457.5 (MANE Select); coding-DNA position 4617, C replaced by A.
Protein change: p.Pro1539=; no amino-acid change (proline 1539 retained).
Molecular consequence: synonymous variant.
Genome position (GRCh38, 1-based): chr11:1,094,860, C>A. VCF-style: chr11-1094860-C-A. GRCh37 (hg19) VCF-style: chr11-1092798-C-A.
Identifiers: ClinVar variation 2641132 (VCV002641132.24), dbSNP rs767070717, ClinGen allele CA1947481240.

ClinVar aggregate classification (germline): Likely benign (1 of 4 stars; one submission).

Allele frequency attached by ClinVar (database versions not stated): ExAC 0.00006.

Submission:

CeGaT Center for Human Genetics Tuebingen
Classification: Likely benign. Last evaluated: 2024-04-01. Review status: criteria provided, single submitter. Criteria: CeGaT Center For Human Genetics Tuebingen Variant Classification Criteria Version 2. Collection method: clinical testing. Allele origin: germline. Affected: yes. Observed: 2 variant alleles.
Comment: MUC2: PM2:Supporting, BP4, BP7